The following is an entry in ClinVar:

NM_000369.5(TSHR):c.1838A>G (p.Tyr613Cys)

Genes: TSHR (thyroid stimulating hormone receptor; plus strand), TSHR-AS1 (TSHR antisense RNA 1; minus strand). Cytogenetic location: 14q31.1.
Variant type: single nucleotide variant.
Coding change: c.1838A>G on transcript NM_000369.5 (MANE Select); coding-DNA position 1838, A replaced by G.
Protein change: p.Tyr613Cys; replaces tyrosine 613 with cysteine.
Molecular consequence: missense variant.
Genome position (GRCh38, 1-based): chr14:81,143,896, A>G. VCF-style: chr14-81143896-A-G. GRCh37 (hg19) VCF-style: chr14-81610240-A-G.
Other names: short protein forms Y613C.
Identifiers: ClinVar variation 3375405 (VCV003375405.1).

ClinVar aggregate classification (germline): Uncertain significance (1 of 4 stars; one submission).

gnomAD v4.1: 20 of 1,614,232 alleles (0.0012%); highest among the groups gnomAD compares: East Asian, 0.04%; no homozygotes.

Submission:

Women's Health and Genetics/Laboratory Corporation of America, LabCorp
Classification: Uncertain significance. Last evaluated: 2024-09-18. Review status: criteria provided, single submitter. Criteria: LabCorp Variant Classification Summary - May 2015. Collection method: clinical testing. Allele origin: germline.
Comment: Variant summary: TSHR c.1838A>G (p.Tyr613Cys) results in a non-conservative amino acid change in the encoded protein sequence. Three of five in-silico tools predict a damaging effect of the variant on protein function. The variant allele was found at a frequency of 4e-05 in 251424 control chromosomes. This frequency is not significantly higher than estimated for a pathogenic variant in TSHR causing Hypothyroidism Due To TSH Receptor Mutations, allowing no conclusion about variant significance. c.1838A>G has been reported in the literature in heterozygous individuals affected with Congenital Hypothyroidism (e.g. Fu_2016, Zhang_2022, Xue_2021, Long_2018). These report(s) do not provide unequivocal conclusions about association of the variant with Hypothyroidism Due To TSH Receptor Mutations. To our knowledge, no experimental evidence demonstrating an impact on protein function has been reported. The following publications have been ascertained in the context of this evaluation (PMID: 27637299, 30022773, 34377013, 38433572, 34374102). No submitters have cited clinical-significance assessments for this variant to ClinVar. Based on the evidence outlined above, the variant was classified as uncertain significance.

Literature cited by the submitters: PubMed 30022773; PubMed 34377013; PubMed 34374102; PubMed 27637299; PubMed 38433572.